The following is an entry in ClinVar:

ClinVar aggregate classification (germline): Uncertain significance (1 of 4 stars; one submission).

Conditions:
Epidermolysis bullosa simplex 5B, with muscular dystrophy (EBS5B). Also called: EPIDERMOLYSIS BULLOSA SIMPLEX AND LIMB-GIRDLE MUSCULAR DYSTROPHY; Epidermolysis bullosa simplex with muscular dystrophy. Identifiers: Orphanet 257, MedGen C2931072, MONDO:0009181, OMIM 226670.
Epidermolysis bullosa simplex 5C, with pyloric atresia (EBS5C). Also called: Epidermolysis bullosa simplex with pyloric atresia; PLEC-Related Epidermolysis Bullosa with Pyloric Atresia; PLEC1-Related Epidermolysis Bullosa with Pyloric Atresia. Identifiers: Orphanet 158684, MedGen C2677349, MONDO:0012807, OMIM 612138.
Autosomal recessive limb-girdle muscular dystrophy type 2Q (LGMDR17). Also called: MUSCULAR DYSTROPHY, LIMB-GIRDLE, AUTOSOMAL RECESSIVE 17. Identifiers: Orphanet 254361, MedGen C3150989, MONDO:0013390, OMIM 613723.
Epidermolysis bullosa simplex with nail dystrophy (EBS5D). Identifiers: MedGen C4225309, MONDO:0014661, OMIM 616487.
Epidermolysis bullosa simplex, Ogna type (EBS5A). Also called: Pidermolysis bullosa simplex 5A, Ogna type; EPIDERMOLYSIS BULLOSA SIMPLEX 5A, OGNA TYPE. Identifiers: Orphanet 79401, MedGen C0432317, MONDO:0007555, OMIM 131950.

gnomAD v4.1: 3 of 1,594,318 alleles (0.00019%); highest among the groups gnomAD compares: African/African-American, 0.0013%; no homozygotes.

Submission:

Labcorp Genetics (formerly Invitae), Labcorp
Classification: Uncertain significance for Autosomal recessive limb-girdle muscular dystrophy type 2Q; Epidermolysis bullosa simplex, Ogna type; Epidermolysis bullosa simplex with nail dystrophy; Epidermolysis bullosa simplex 5C, with pyloric atresia; Epidermolysis bullosa simplex 5B, with muscular dystrophy. Last evaluated: 2024-02-24. Review status: criteria provided, single submitter. Criteria: Invitae Variant Classification Sherloc (09022015). Collection method: clinical testing. Allele origin: germline.
Comment: This sequence change replaces glutamic acid, which is acidic and polar, with glutamine, which is neutral and polar, at codon 2025 of the PLEC protein (p.Glu2025Gln). This variant is not present in population databases (gnomAD no frequency). This variant has not been reported in the literature in individuals affected with PLEC-related conditions. ClinVar contains an entry for this variant (Variation ID: 1430903). Algorithms developed to predict the effect of missense changes on protein structure and function output the following: SIFT: "Not Available"; PolyPhen-2: "Not Available"; Align-GVGD: "Not Available". The glutamine amino acid residue is found in multiple mammalian species, which suggests that this missense change does not adversely affect protein function. In summary, the available evidence is currently insufficient to determine the role of this variant in disease. Therefore, it has been classified as a Variant of Uncertain Significance.

NM_201384.3(PLEC):c.5992G>C (p.Glu1998Gln)

Gene: PLEC (plectin; minus strand). Cytogenetic location: 8q24.3.
Variant type: single nucleotide variant.
Coding change: c.5992G>C on transcript NM_201384.3 (MANE Select); coding-DNA position 5992, G replaced by C.
Protein change: p.Glu1998Gln; replaces glutamic acid 1998 with glutamine.
Molecular consequence: missense variant.
Genome position (GRCh38, 1-based): chr8:143,923,937, C>G on the plus strand (G>C on the coding strand, the complement: PLEC is on the minus strand). VCF-style: chr8-143923937-C-G. GRCh37 (hg19) VCF-style: chr8-144998105-C-G.
Other names: c.6073G>C, p.Glu2025Gln (NM_000445.5); c.5950G>C, p.Glu1984Gln (NM_201378.4); c.5926G>C, p.Glu1976Gln (NM_201379.3); c.6403G>C, p.Glu2135Gln (NM_201380.4); c.5896G>C, p.Glu1966Gln (NM_201381.3); c.5992G>C, p.Glu1998Gln (NM_201382.4); c.6004G>C, p.Glu2002Gln (NM_201383.3); short protein forms E2135Q, E1966Q, E1976Q, E1984Q, E1998Q, E2025Q, E2002Q.
Identifiers: ClinVar variation 1430903 (VCV001430903.8), dbSNP rs2131362462, ClinGen allele CA372540237.